The following is an entry in ClinVar:

ClinVar aggregate classification (germline): Uncertain significance (1 of 4 stars; one submission).

Conditions:
Hereditary cancer-predisposing syndrome. Also called: Hereditary Cancer Syndrome; Hereditary neoplastic syndrome; Neoplastic Syndromes, Hereditary; Tumor predisposition. Identifiers: Orphanet 140162, MedGen C0027672, MeSH D009386, MONDO:0015356.

Submission:

Ambry Genetics
Classification: Uncertain significance for Hereditary cancer-predisposing syndrome. Last evaluated: 2025-05-16. Review status: criteria provided, single submitter. Criteria: Ambry Variant Classification Scheme 2023. Collection method: clinical testing. Allele origin: germline.
Comment: The c.363+4C>T intronic variant results from a C to T substitution 4 nucleotides after coding exon 3 in the NF2 gene. This nucleotide position is well conserved in available vertebrate species. In silico splice site analysis predicts that this alteration will not have any significant effect on splicing. Based on the available evidence, the clinical significance of this variant remains unclear.

NM_000268.4(NF2):c.363+4C>T

Gene: NF2 (NF2, moesin-ezrin-radixin like (MERLIN) tumor suppressor; plus strand). Cytogenetic location: 22q12.2.
Variant type: single nucleotide variant.
Coding change: c.363+4C>T on transcript NM_000268.4 (MANE Select); 4 bases into the intron after coding-DNA position 363, C replaced by T.
Molecular consequence: intron variant.
Genome position (GRCh38, 1-based): chr22:29,639,216, C>T. VCF-style: chr22-29639216-C-T. GRCh37 (hg19) VCF-style: chr22-30035205-C-T.
Other names: c.363+4C>T (NM_016418.5, NM_181832.3, NM_001407060.1 and 5 more transcripts); c.249+4C>T (NM_001407056.1, NM_001407053.1); c.132+4C>T (NM_001407067.1); c.-278+4C>T (NM_001407065.1); c.240+2340C>T (NM_001407058.1, NM_181829.3, NM_001407054.1 and 1 more transcripts); c.237+4C>T (NM_181828.3, NM_001407055.1); c.115-2986C>T (NM_001407063.1, NM_181830.3, NM_001407064.1 and 1 more transcripts).
Identifiers: ClinVar variation 3919156 (VCV003919156.1).